The following is an entry in ClinVar:

ClinVar aggregate classification (germline): Uncertain significance (1 of 4 stars; one submission).

Conditions:
Neutral lipid storage myopathy (NLSDM). Also called: NEUTRAL LIPID STORAGE DISEASE WITHOUT ICHTHYOSIS. Identifiers: Orphanet 98908, MedGen C1853136, MONDO:0012545, OMIM 610717.

Allele frequency attached by ClinVar (database versions not stated): gnomAD exomes below 0.00001; gnomAD 0.00001.
gnomAD v4.1: 4 of 1,613,096 alleles (0.00025%); highest among the groups gnomAD compares: East Asian, 0.0067%; no homozygotes.

Submission:

Labcorp Genetics (formerly Invitae), Labcorp
Classification: Uncertain significance for Neutral lipid storage myopathy. Last evaluated: 2021-08-01. Review status: criteria provided, single submitter. Criteria: Invitae Variant Classification Sherloc (09022015). Collection method: clinical testing. Allele origin: germline.
Comment: In summary, the available evidence is currently insufficient to determine the role of this variant in disease. Therefore, it has been classified as a Variant of Uncertain Significance. Algorithms developed to predict the effect of sequence changes on RNA splicing suggest that this variant may create or strengthen a splice site. Algorithms developed to predict the effect of missense changes on protein structure and function (SIFT, PolyPhen-2, Align-GVGD) all suggest that this variant is likely to be tolerated. This variant has not been reported in the literature in individuals affected with PNPLA2-related conditions. This variant is not present in population databases (ExAC no frequency). This sequence change replaces alanine with valine at codon 65 of the PNPLA2 protein (p.Ala65Val). The alanine residue is highly conserved and there is a small physicochemical difference between alanine and valine.

NM_020376.4(PNPLA2):c.194C>T (p.Ala65Val)

Gene: PNPLA2 (patatin like domain 2, triacylglycerol lipase; plus strand). Cytogenetic location: 11p15.5.
Variant type: single nucleotide variant.
Coding change: c.194C>T on transcript NM_020376.4 (MANE Select); coding-DNA position 194, C replaced by T.
Protein change: p.Ala65Val; replaces alanine 65 with valine.
Molecular consequence: missense variant.
Genome position (GRCh38, 1-based): chr11:821,634, C>T. VCF-style: chr11-821634-C-T. GRCh37 (hg19) VCF-style: chr11-821634-C-T.
Other names: short protein forms A65V.
Identifiers: ClinVar variation 1350250 (VCV001350250.6), dbSNP rs963468170, ClinGen allele CA216968345.